The following is an entry in ClinVar:

ClinVar aggregate classification (germline): Likely benign (1 of 4 stars; one submission).

Allele frequency attached by ClinVar (database versions not stated): gnomAD 0.00024; 1000 Genomes Project 30x 0.00047; 1000 Genomes Project 0.00060; ExAC 0.00076; ESP Exome Variant Server 0.00008; TOPMed 0.00020.
gnomAD v4.1: 616 of 1,609,392 alleles (0.038%); highest among the groups gnomAD compares: South Asian, 0.33%; 25 homozygotes.

Submission:

CeGaT Center for Human Genetics Tuebingen
Classification: Likely benign. Last evaluated: 2022-12-01. Review status: criteria provided, single submitter. Criteria: CeGaT Center For Human Genetics Tuebingen Variant Classification Criteria Version 2. Collection method: clinical testing. Allele origin: germline. Affected: yes. Observed: 1 variant allele.
Comment: CYP2D6: BS2

NM_000106.6(CYP2D6):c.352+16G>A

Gene: CYP2D6 (cytochrome P450 family 2 subfamily D member 6 (gene/pseudogene); minus strand). Cytogenetic location: 22q13.2.
Variant type: single nucleotide variant.
Coding change: c.352+16G>A on transcript NM_000106.6 (MANE Select); 16 bases into the intron after coding-DNA position 352, G replaced by A.
Molecular consequence: intron variant.
Genome position (GRCh38, 1-based): chr22:42,129,722, C>T on the plus strand (G>A on the coding strand, the complement: CYP2D6 is on the minus strand). VCF-style: chr22-42129722-C-T. GRCh37 (hg19) VCF-style: chr22-42525724-C-T.
Other names: c.352+16G>A (NM_001025161.3).
Identifiers: ClinVar variation 2653241 (VCV002653241.24), dbSNP rs368389952, ClinGen allele CA10265233.